The following is an entry in ClinVar:

NM_199420.4(POLQ):c.2419G>A (p.Ala807Thr)

Gene: POLQ (DNA polymerase theta; minus strand). Cytogenetic location: 3q13.33.
Variant type: single nucleotide variant.
Coding change: c.2419G>A on transcript NM_199420.4 (MANE Select); coding-DNA position 2419, G replaced by A.
Protein change: p.Ala807Thr; replaces alanine 807 with threonine.
Molecular consequence: missense variant.
Genome position (GRCh38, 1-based): chr3:121,493,581, C>T on the plus strand (G>A on the coding strand, the complement: POLQ is on the minus strand). VCF-style: chr3-121493581-C-T. GRCh37 (hg19) VCF-style: chr3-121212428-C-T.
Other names: short protein forms A807T.
Identifiers: ClinVar variation 3308571 (VCV003308571.1).

ClinVar aggregate classification (germline): Uncertain significance (1 of 4 stars; one submission).

gnomAD v4.1: 2 of 1,613,926 alleles (0.00012%); highest among the groups gnomAD compares: Non-Finnish European, 0.00017%; no homozygotes.

Submission:

Ambry Genetics
Classification: Uncertain significance. Last evaluated: 2024-03-28. Review status: criteria provided, single submitter. Criteria: Ambry Variant Classification Scheme 2023. Collection method: clinical testing. Allele origin: germline.
Comment: The p.A807T variant (also known as c.2419G>A), located in coding exon 15 of the POLQ gene, results from a G to A substitution at nucleotide position 2419. The alanine at codon 807 is replaced by threonine, an amino acid with similar properties. This amino acid position is conserved. In addition, the in silico prediction for this alteration is inconclusive. Based on the available evidence, the clinical significance of this alteration remains unclear.